The following is an entry in ClinVar:

NM_017757.3(ZNF407):c.2761G>T (p.Val921Phe)

Genes: ZNF407 (zinc finger protein 407; plus strand), LOC126862798 (MED14-independent group 3 enhancer GRCh37_chr18:72345358-72346557; plus strand). Cytogenetic location: 18q22.3.
Variant type: single nucleotide variant.
Coding change: c.2761G>T on transcript NM_017757.3 (MANE Select); coding-DNA position 2761, G replaced by T.
Protein change: p.Val921Phe; replaces valine 921 with phenylalanine.
Molecular consequence: missense variant.
Genome position (GRCh38, 1-based): chr18:74,633,780, G>T. VCF-style: chr18-74633780-G-T. GRCh37 (hg19) VCF-style: chr18-72345736-G-T.
Other names: c.2761G>T, p.Val921Phe (NM_001146189.1, NM_001146190.1, NM_001384475.1); short protein forms V921F.
Identifiers: ClinVar variation 1804591 (VCV001804591.13), dbSNP rs199937540, ClinGen allele CA9000574.

ClinVar aggregate classification (germline): Uncertain significance. Review status: criteria provided, multiple submitters, no conflicts (2 of 4 stars). 5 submissions from 5 submitters: Uncertain significance (4). 1 of the submissions does not count toward it. Last evaluated 2026-02-01.

Conditions:
ZNF407-related disorder. Also called: ZNF407-related condition.

Allele frequency attached by ClinVar (database versions not stated): ESP Exome Variant Server 0.00008; ExAC 0.00011; 1000 Genomes Project 30x 0.00016; 1000 Genomes Project 0.00020.
gnomAD v4.1: 225 of 1,613,974 alleles (0.014%); highest among the groups gnomAD compares: Admixed American, 0.028%; no homozygotes.

Submissions (5):

CeGaT Center for Human Genetics Tuebingen
Classification: Uncertain significance. Last evaluated: 2026-02-01. Review status: criteria provided, single submitter. Criteria: CeGaT Center For Human Genetics Tuebingen Variant Classification Criteria Version 2. Collection method: clinical testing. Allele origin: germline. Affected: yes. Observed: 1 variant allele.
Comment: ZNF407: PM2, BP4

Dasa
Classification: Uncertain significance. Last evaluated: 2025-10-17. Review status: criteria provided, single submitter. Criteria: DASA Assertion Criteria. Collection method: clinical testing. Allele origin: germline.
Comment: NM_017757.3(ZNF407):c.2761G>T (p.Val921Phe) is a missense variant that results in the substitution of valine with phenylalanine. This variant is rare in population databases. Computational prediction algorithms are consistent with a benign effect. The currently available literature and clinical evidence are not sufficient to establish a definitive association between this variant and the reported condition. Therefore, this variant is classified as a variant of uncertain significance.

Ambry Genetics
Classification: Uncertain significance. Last evaluated: 2024-06-07. Review status: criteria provided, single submitter. Criteria: Ambry Variant Classification Scheme 2023. Collection method: clinical testing. Allele origin: germline.

GeneDx
Classification: Uncertain significance. Last evaluated: 2022-06-16. Review status: criteria provided, single submitter. Criteria: GeneDx Variant Classification Process June 2021. Collection method: clinical testing. Allele origin: germline. Affected: yes.
Comment: In silico analysis supports that this missense variant does not alter protein structure/function; Has not been previously published as pathogenic or benign to our knowledge

PreventionGenetics, part of Exact Sciences
Classification: Uncertain significance for ZNF407-related condition. Last evaluated: 2024-02-13. Review status: no assertion criteria provided. Collection method: clinical testing. Allele origin: germline. Not counted in ClinVar's aggregate classification.
Comment: The ZNF407 c.2761G>T variant is predicted to result in the amino acid substitution p.Val921Phe. To our knowledge, this variant has not been reported in the literature. This variant is reported in 0.014% of alleles in individuals of Latino descent in gnomAD. At this time, the clinical significance of this variant is uncertain due to the absence of conclusive functional and genetic evidence.